The following is an entry in ClinVar:

NM_001083962.2(TCF4):c.264T>A (p.His88Gln)

Genes: TCF4 (transcription factor 4; minus strand), TCF4-AS1 (TCF4 antisense RNA 1; plus strand). Cytogenetic location: 18q21.2.
Variant type: single nucleotide variant.
Coding change: c.264T>A on transcript NM_001083962.2 (MANE Select); coding-DNA position 264, T replaced by A.
Protein change: p.His88Gln; replaces histidine 88 with glutamine.
Molecular consequence: missense variant.
Genome position (GRCh38, 1-based): chr18:55,461,059, A>T on the plus strand (T>A on the coding strand, the complement: TCF4 is on the minus strand). VCF-style: chr18-55461059-A-T. GRCh37 (hg19) VCF-style: chr18-53128290-A-T.
Other names: c.570T>A, p.His190Gln (NM_001243226.3); c.192T>A, p.His64Gln (NM_001243227.2, NM_001306207.1, NM_001348217.1 and 15 more transcripts); c.264T>A, p.His88Gln (NM_001243228.2, NM_001330604.3, NM_001369567.1 and 8 more transcripts); c.258T>A, p.His86Gln (NM_001243230.2); c.138T>A, p.His46Gln (NM_001243231.2, NM_001348211.2); short protein forms H190Q, H86Q, H88Q, H46Q, H64Q.
Identifiers: ClinVar variation 1480392 (VCV001480392.6), dbSNP rs2144778412, ClinGen allele CA402703527.

ClinVar aggregate classification (germline): Uncertain significance (1 of 4 stars; one submission).

Conditions:
Pitt-Hopkins syndrome (PTHS). Also called: ENCEPHALOPATHY, SEVERE EPILEPTIC, WITH AUTONOMIC DYSFUNCTION; MENTAL RETARDATION, SYNDROMAL, WITH INTERMITTENT HYPERVENTILATION. Identifiers: Orphanet 2896, MedGen C1970431, MONDO:0012589, OMIM 610954.

Submission:

Labcorp Genetics (formerly Invitae), Labcorp
Classification: Uncertain significance for Pitt-Hopkins syndrome. Last evaluated: 2021-10-10. Review status: criteria provided, single submitter. Criteria: Invitae Variant Classification Sherloc (09022015). Collection method: clinical testing. Allele origin: germline.
Comment: This variant is not present in population databases (ExAC no frequency). This sequence change replaces histidine with glutamine at codon 88 of the TCF4 protein (p.His88Gln). The histidine residue is moderately conserved and there is a small physicochemical difference between histidine and glutamine. This variant has not been reported in the literature in individuals affected with TCF4-related conditions. Algorithms developed to predict the effect of missense changes on protein structure and function (SIFT, PolyPhen-2, Align-GVGD) all suggest that this variant is likely to be tolerated. In summary, the available evidence is currently insufficient to determine the role of this variant in disease. Therefore, it has been classified as a Variant of Uncertain Significance.